The following is an entry in ClinVar:

NM_001100913.3(PACS2):c.213C>A (p.Ser71=)

Gene: PACS2 (phosphofurin acidic cluster sorting protein 2; plus strand). Cytogenetic location: 14q32.33.
Variant type: single nucleotide variant.
Coding change: c.213C>A on transcript NM_001100913.3 (MANE Select); coding-DNA position 213, C replaced by A.
Protein change: p.Ser71=; no amino-acid change (serine 71 retained).
Molecular consequence: synonymous variant.
Genome position (GRCh38, 1-based): chr14:105,352,383, C>A. VCF-style: chr14-105352383-C-A. GRCh37 (hg19) VCF-style: chr14-105818720-C-A.
Other names: c.12C>A, p.Ser4= (NM_001243127.3); c.213C>A, p.Ser71= (NM_015197.4).
Identifiers: ClinVar variation 1643170 (VCV001643170.12), dbSNP rs1555404168, ClinGen allele CA488206759.

ClinVar aggregate classification (germline): Likely benign. Review status: criteria provided, multiple submitters, no conflicts (2 of 4 stars). 2 submissions from 2 submitters: Likely benign (2). Last evaluated 2026-01-01.

Allele frequency attached by ClinVar (database versions not stated): gnomAD exomes below 0.00001 and 0.00001; TOPMed below 0.00001; gnomAD 0.00001.
gnomAD v4.1: 5 of 1,610,392 alleles (0.00031%); highest among the groups gnomAD compares: Admixed American, 0.0083%; no homozygotes.

Submissions (2):

CeGaT Center for Human Genetics Tuebingen
Classification: Likely benign. Last evaluated: 2026-01-01. Review status: criteria provided, single submitter. Criteria: CeGaT Center For Human Genetics Tuebingen Variant Classification Criteria Version 2. Collection method: clinical testing. Allele origin: germline. Affected: yes. Observed: 1 variant allele.
Comment: PACS2: BP4, BP7

Labcorp Genetics (formerly Invitae), Labcorp
Classification: Likely benign. Last evaluated: 2025-10-10. Review status: criteria provided, single submitter. Criteria: Invitae Variant Classification Sherloc (09022015). Collection method: clinical testing. Allele origin: germline.